The following is an entry in ClinVar:

ClinVar aggregate classification (germline): Pathogenic. Review status: criteria provided, multiple submitters, no conflicts (2 of 4 stars). 3 submissions from 3 submitters: Pathogenic (3). Last evaluated 2024-09-30.

Conditions:
Hereditary cancer-predisposing syndrome. Also called: Hereditary neoplastic syndrome; Tumor predisposition; Hereditary Cancer Syndrome; Neoplastic Syndromes, Hereditary. Identifiers: Orphanet 140162, MedGen C0027672, MeSH D009386, MONDO:0015356.
Familial cancer of breast. Also called: Hereditary breast cancer; hereditary breast carcinoma; BREAST CANCER, FAMILIAL. Identifiers: Orphanet 227535, MedGen C0346153, MONDO:0016419, OMIM 114480. Disease mechanism: loss of function.

Submissions (3):

Labcorp Genetics (formerly Invitae), Labcorp
Classification: Pathogenic for Familial cancer of breast. Last evaluated: 2024-09-30. Review status: criteria provided, single submitter. Criteria: Invitae Variant Classification Sherloc (09022015). Collection method: clinical testing. Allele origin: germline.
Comment: This sequence change creates a premature translational stop signal (p.Cys1078Valfs*17) in the PALB2 gene. It is expected to result in an absent or disrupted protein product. Loss-of-function variants in PALB2 are known to be pathogenic (PMID: 17200668, 17200671, 17200672, 24136930, 25099575). This variant is not present in population databases (gnomAD no frequency). This premature translational stop signal has been observed in individual(s) with breast cancer (PMID: 29484706). ClinVar contains an entry for this variant (Variation ID: 492214). For these reasons, this variant has been classified as Pathogenic.

Myriad Genetics, Inc.
Classification: Pathogenic for Familial cancer of breast. Last evaluated: 2023-09-14. Review status: criteria provided, single submitter. Criteria: Myriad Autosomal Dominant, Autosomal Recessive and X-Linked Classification Criteria (2023). Collection method: clinical testing. Allele origin: unknown.
Comment: This variant is considered pathogenic. This variant creates a frameshift predicted to result in premature protein truncation.

Color Diagnostics, LLC DBA Color Health
Classification: Pathogenic for Hereditary cancer-predisposing syndrome. Last evaluated: 2022-03-16. Review status: criteria provided, single submitter. Criteria: ACMG Guidelines, 2015. Collection method: clinical testing. Allele origin: germline.
Comment: This variant deletes 1 nucleotide in exon 12 of the PALB2 gene, creating a frameshift and premature translation stop signal. This variant is expected to result in an absent or non-functional protein product. To our knowledge, this variant has not been reported in individuals affected with hereditary cancer in the literature. This variant has not been identified in the general population by the Genome Aggregation Database (gnomAD). Loss of PALB2 function is a known mechanism of disease. Based on the available evidence, this variant is classified as Pathogenic.

Literature cited by the submitters: PubMed 17200668 (cited by Labcorp Genetics (formerly Invitae), Labcorp); PubMed 17200671 (cited by Labcorp Genetics (formerly Invitae), Labcorp); PubMed 17200672 (cited by Labcorp Genetics (formerly Invitae), Labcorp); PubMed 24136930 (cited by Labcorp Genetics (formerly Invitae), Labcorp); PubMed 25099575 (cited by Labcorp Genetics (formerly Invitae), Labcorp); PubMed 29484706 (cited by Labcorp Genetics (formerly Invitae), Labcorp).

NM_024675.4(PALB2):c.3228del (p.Cys1078fs)

Gene: PALB2 (partner and localizer of BRCA2; minus strand). Cytogenetic location: 16p12.2.
Variant type: Deletion.
Coding change: c.3228del on transcript NM_024675.4 (MANE Select); coding-DNA position 3228, one base deleted (T; older notation c.3228delT).
Protein change: p.Cys1078fs; shifts the reading frame from cysteine 1078.
Molecular consequence: frameshift variant.
Genome position (GRCh38, 1-based): chr16:23,607,986, A deleted on the plus strand (T on the coding strand, the reverse complement: PALB2 is on the minus strand). VCF-style (leftmost placement, unchanged base first): chr16-23607985-GA-G. GRCh37 (hg19) VCF-style: chr16-23619306-GA-G.
Other names: c.3228delT (NM_024675.3); short protein forms C1078fs.
Identifiers: ClinVar variation 492214 (VCV000492214.8), dbSNP rs1555458223, ClinGen allele CA658683911.